The following is an entry in ClinVar:

NM_000426.4(LAMA2):c.3215del (p.Cys1072fs)

Gene: LAMA2 (laminin subunit alpha 2; plus strand). Cytogenetic location: 6q22.33.
Variant type: Deletion.
Coding change: c.3215del on transcript NM_000426.4 (MANE Select); coding-DNA position 3215, one base deleted (G; older notation c.3215delG).
Protein change: p.Cys1072fs; shifts the reading frame from cysteine 1072.
Molecular consequence: frameshift variant.
Genome position (GRCh38, 1-based): chr6:129,312,901, G deleted. VCF-style (leftmost placement, unchanged base first): chr6-129312900-TG-T. GRCh37 (hg19) VCF-style: chr6-129634045-TG-T.
Other names: c.3215delG (NM_000426.3); c.3215del, p.Cys1072fs (NM_001079823.2); short protein forms C1072fs.
Identifiers: ClinVar variation 279978 (VCV000279978.52), dbSNP rs886041297, ClinGen allele CA10602987.

ClinVar aggregate classification (germline): Pathogenic. Review status: criteria provided, multiple submitters, no conflicts (2 of 4 stars). 5 submissions from 5 submitters: Pathogenic (5). Last evaluated 2025-07-29.

Conditions:
Muscular dystrophy, limb-girdle, autosomal recessive 23. Identifiers: Orphanet 565837, MedGen C4748327, MONDO:0029136, OMIM 618138.
Merosin deficient congenital muscular dystrophy (MDC1A). Also called: Congenital Muscular Dystrophy Type 1A (MDC1A); Congenital merosin-deficient muscular dystrophy 1A. Identifiers: Orphanet 258, MedGen C1263858, MONDO:0011925, OMIM 607855.
LAMA2-related muscular dystrophy (LAMA2-RD). Also called: Laminin alpha 2-related dystrophy. Identifiers: MedGen C5679788, MONDO:0100228.

Allele frequency attached by ClinVar (database versions not stated): gnomAD exomes below 0.00001; gnomAD 0.00002; TOPMed 0.00003.

Submissions (5):

Labcorp Genetics (formerly Invitae), Labcorp
Classification: Pathogenic for LAMA2-related muscular dystrophy. Last evaluated: 2025-07-29. Review status: criteria provided, single submitter. Criteria: Invitae Variant Classification Sherloc (09022015). Collection method: clinical testing. Allele origin: germline.
Comment: This sequence change creates a premature translational stop signal (p.Cys1072Serfs*3) in the LAMA2 gene. It is expected to result in an absent or disrupted protein product. Loss-of-function variants in LAMA2 are known to be pathogenic (PMID: 18700894, 32904964). This variant is not present in population databases (gnomAD no frequency). This premature translational stop signal has been observed in individual(s) with congenital muscular dystrophy (PMID: 8957020). ClinVar contains an entry for this variant (Variation ID: 279978). For these reasons, this variant has been classified as Pathogenic.

Baylor Genetics
Classification: Pathogenic for Merosin deficient congenital muscular dystrophy. Last evaluated: 2024-03-26. Review status: criteria provided, single submitter. Criteria: ACMG Guidelines, 2015. Collection method: clinical testing. Allele origin: unknown.

Fulgent Genetics
Classification: Pathogenic for Merosin deficient congenital muscular dystrophy; Muscular dystrophy, limb-girdle, autosomal recessive 23. Last evaluated: 2021-11-04. Review status: criteria provided, single submitter. Criteria: ACMG Guidelines, 2015. Collection method: clinical testing. Allele origin: unknown.

GeneDx
Classification: Pathogenic. Last evaluated: 2021-03-24. Review status: criteria provided, single submitter. Criteria: GeneDx Variant Classification Process June 2021. Collection method: clinical testing. Allele origin: germline. Affected: yes.
Comment: Observed with another LAMA2 variant on the opposite allele (in trans) in a patient with congenital muscular dystrophy (using alternate nomenclature c.del3264) in the published literature (Pegoraro et al., 1998); Not observed in large population cohorts (Lek et al., 2016); Frameshift variant predicted to result in protein truncation or nonsense mediated decay in a gene for which loss-of-function is a known mechanism of disease; This variant is associated with the following publications: (PMID: 9674786, 8957020)

CeGaT Center for Human Genetics Tuebingen
Classification: Pathogenic. Last evaluated: 2016-11-01. Review status: criteria provided, single submitter. Criteria: CeGaT Center For Human Genetics Tuebingen Variant Classification Criteria Version 2. Collection method: clinical testing. Allele origin: germline. Affected: yes. Observed: 1 variant allele.

Literature cited by the submitters: PubMed 18700894 (cited by Labcorp Genetics (formerly Invitae), Labcorp); PubMed 32904964 (cited by Labcorp Genetics (formerly Invitae), Labcorp); PubMed 8957020 (cited by Labcorp Genetics (formerly Invitae), Labcorp).